The following is an entry in ClinVar:

NM_004006.3(DMD):c.10224-3C>T

Gene: DMD (dystrophin; minus strand). Cytogenetic location: Xp21.2.
Variant type: single nucleotide variant.
Coding change: c.10224-3C>T on transcript NM_004006.3 (MANE Select); 3 bases into the intron before coding-DNA position 10224, C replaced by T.
Molecular consequence: intron variant.
Genome position (GRCh38, 1-based): chrX:31,177,973, G>A on the plus strand (C>T on the coding strand, the complement: DMD is on the minus strand). VCF-style: chrX-31177973-G-A. GRCh37 (hg19) VCF-style: chrX-31196090-G-A.
Other names: c.10200-3C>T (NM_000109.4); c.6201-3C>T (NM_004011.4); c.6192-3C>T (NM_004012.4); c.2843+696C>T (NM_004023.3, NM_004020.4, NM_004022.3); c.2844-3C>T (NM_004021.3, NM_004013.3); c.2037-3C>T (NM_004014.3); c.1019+696C>T (NM_004018.3, NM_004017.3); c.1020-3C>T (NM_004016.3, NM_004015.3); and 2 more.
Identifiers: ClinVar variation 1762540 (VCV001762540.2), dbSNP rs2519911762, ClinGen allele CA645616161.

ClinVar aggregate classification (germline): Uncertain significance (1 of 4 stars; one submission).

Conditions:
Cardiovascular phenotype. Identifiers: MedGen CN230736.

Allele frequency attached by ClinVar (database versions not stated): gnomAD exomes below 0.00001.
gnomAD v4.1: 1 of 1,205,579 alleles (0.000083%); highest among the groups gnomAD compares: South Asian, 0.0018%; no homozygotes.

Submission:

Ambry Genetics
Classification: Uncertain significance for Cardiovascular phenotype. Last evaluated: 2021-10-25. Review status: criteria provided, single submitter. Criteria: Ambry Variant Classification Scheme 2023. Collection method: clinical testing. Allele origin: germline.
Comment: The c.10224-3C>T intronic variant results from a C to T substitution 3 nucleotides upstream from coding exon 71 in the DMD gene. This nucleotide position is highly conserved in available vertebrate species. In silico splice site analysis for this alteration is inconclusive. Since supporting evidence is limited at this time, the clinical significance of this alteration remains unclear.